The following is an entry in ClinVar:

NM_005732.4(RAD50):c.1049A>T (p.Gln350Leu)

Gene: RAD50 (RAD50 double strand break repair protein; plus strand). Cytogenetic location: 5q31.1.
Variant type: single nucleotide variant.
Coding change: c.1049A>T on transcript NM_005732.4 (MANE Select); coding-DNA position 1049, A replaced by T.
Protein change: p.Gln350Leu; replaces glutamine 350 with leucine.
Molecular consequence: missense variant.
Genome position (GRCh38, 1-based): chr5:132,588,087, A>T. VCF-style: chr5-132588087-A-T. GRCh37 (hg19) VCF-style: chr5-131923779-A-T.
Other names: short protein forms Q350L.
Identifiers: ClinVar variation 3786305 (VCV003786305.1).

ClinVar aggregate classification (germline): Uncertain significance (1 of 4 stars; one submission).

Conditions:
Hereditary cancer-predisposing syndrome. Also called: Neoplastic Syndromes, Hereditary; Hereditary Cancer Syndrome; Tumor predisposition; Hereditary neoplastic syndrome. Identifiers: Orphanet 140162, MedGen C0027672, MeSH D009386, MONDO:0015356.

Submission:

Ambry Genetics
Classification: Uncertain significance for Hereditary cancer-predisposing syndrome. Last evaluated: 2025-01-30. Review status: criteria provided, single submitter. Criteria: Ambry Variant Classification Scheme 2023. Collection method: clinical testing. Allele origin: germline.
Comment: The p.Q350L variant (also known as c.1049A>T), located in coding exon 7 of the RAD50 gene, results from an A to T substitution at nucleotide position 1049. The glutamine at codon 350 is replaced by leucine, an amino acid with dissimilar properties. This amino acid position is conserved. In addition, this alteration is predicted to be tolerated by in silico analysis. Based on the available evidence, the clinical significance of this variant remains unclear.